The following is an entry in ClinVar:

ClinVar aggregate classification (germline): Uncertain significance (1 of 4 stars; one submission).

Allele frequency attached by ClinVar (database versions not stated): gnomAD exomes 0.00002.

Submission:

Labcorp Genetics (formerly Invitae), Labcorp
Classification: Uncertain significance. Last evaluated: 2022-08-22. Review status: criteria provided, single submitter. Criteria: Invitae Variant Classification Sherloc (09022015). Collection method: clinical testing. Allele origin: germline.
Comment: This sequence change replaces methionine, which is neutral and non-polar, with threonine, which is neutral and polar, at codon 1517 of the ATR protein (p.Met1517Thr). This variant is present in population databases (no rsID available, gnomAD 0.002%). This variant has not been reported in the literature in individuals affected with ATR-related conditions. Algorithms developed to predict the effect of missense changes on protein structure and function (SIFT, PolyPhen-2, Align-GVGD) all suggest that this variant is likely to be tolerated. In summary, the available evidence is currently insufficient to determine the role of this variant in disease. Therefore, it has been classified as a Variant of Uncertain Significance.

NM_001184.4(ATR):c.4550T>C (p.Met1517Thr)

Gene: ATR (ATR checkpoint kinase; minus strand). Cytogenetic location: 3q23.
Variant type: single nucleotide variant.
Coding change: c.4550T>C on transcript NM_001184.4 (MANE Select); coding-DNA position 4550, T replaced by C.
Protein change: p.Met1517Thr; replaces methionine 1517 with threonine.
Molecular consequence: missense variant.
Genome position (GRCh38, 1-based): chr3:142,513,592, A>G on the plus strand (T>C on the coding strand, the complement: ATR is on the minus strand). VCF-style: chr3-142513592-A-G. GRCh37 (hg19) VCF-style: chr3-142232434-A-G.
Other names: c.4358T>C, p.Met1453Thr (NM_001354579.2); short protein forms M1453T, M1517T.
Identifiers: ClinVar variation 1909158 (VCV001909158.2), dbSNP rs1161928591, ClinGen allele CA354797026.